The following is an entry in ClinVar:

NM_001363711.2(DUOX2):c.4207T>A (p.Ser1403Thr)

Gene: DUOX2 (dual oxidase 2; minus strand). Cytogenetic location: 15q21.1.
Variant type: single nucleotide variant.
Coding change: c.4207T>A on transcript NM_001363711.2 (MANE Select); coding-DNA position 4207, T replaced by A.
Protein change: p.Ser1403Thr; replaces serine 1403 with threonine.
Molecular consequence: missense variant.
Genome position (GRCh38, 1-based): chr15:45,095,469, A>T on the plus strand (T>A on the coding strand, the complement: DUOX2 is on the minus strand). VCF-style: chr15-45095469-A-T. GRCh37 (hg19) VCF-style: chr15-45387667-A-T.
Other names: c.4207T>A, p.Ser1403Thr (NM_014080.5); short protein forms S1403T.
Identifiers: ClinVar variation 737483 (VCV000737483.13), dbSNP rs144186721, ClinGen allele CA7537605.

ClinVar aggregate classification (germline): Conflicting classifications of pathogenicity. Review status: criteria provided, conflicting classifications (1 of 4 stars). 3 submissions from 3 submitters: Uncertain significance (1); Likely benign (2). Last evaluated 2026-01-07.

Conditions:
DUOX2-related disorder. Also called: DUOX2-related condition.
Thyroid dyshormonogenesis 6 (TDH6). Also called: HYPOTHYROIDISM, CONGENITAL, DUE TO DYSHORMONOGENESIS, 6; THYROID HORMONOGENESIS, GENETIC DEFECT IN, 6; Genetic transient congenital hypothyroidism. Identifiers: Orphanet 226316, Orphanet 95716, MedGen C1846632, MONDO:0011792, OMIM 607200.

Allele frequency attached by ClinVar (database versions not stated): gnomAD exomes 0.00011 and 0.00038; ExAC 0.00051; 1000 Genomes Project 30x 0.00125; ESP Exome Variant Server 0.00146; gnomAD 0.00139 and 0.00144; 1000 Genomes Project 0.00140; TOPMed 0.00145.
gnomAD v4.1: 387 of 1,614,216 alleles (0.024%); highest among the groups gnomAD compares: African/African-American, 0.42%; no homozygotes.

Submissions (3):

Labcorp Genetics (formerly Invitae), Labcorp
Classification: Likely benign. Last evaluated: 2026-01-07. Review status: criteria provided, single submitter. Criteria: Invitae Variant Classification Sherloc (09022015). Collection method: clinical testing. Allele origin: germline.

PreventionGenetics, part of Exact Sciences
Classification: Likely benign for DUOX2-related condition. Last evaluated: 2025-05-30. Review status: criteria provided, single submitter. Criteria: ACMG Guidelines, 2015. Collection method: clinical testing. Allele origin: germline.
Comment: This variant is classified as likely benign based on ACMG/AMP sequence variant interpretation guidelines (Richards et al. 2015 PMID: 25741868, with internal and published modifications).

Illumina Laboratory Services, Illumina
Classification: Uncertain significance for Thyroid dyshormonogenesis 6. Last evaluated: 2017-04-27. Review status: criteria provided, single submitter. Criteria: ICSL Variant Classification Criteria 13 December 2019. Collection method: clinical testing. Allele origin: germline.